The following is an entry in ClinVar:

NM_001206927.2(DNAH8):c.11285G>A (p.Gly3762Asp)

Genes: DNAH8 (dynein axonemal heavy chain 8; plus strand), DNAH8-AS1 (DNAH8 antisense RNA 1; minus strand). Cytogenetic location: 6p21.2.
Variant type: single nucleotide variant.
Coding change: c.11285G>A on transcript NM_001206927.2 (MANE Select); coding-DNA position 11285, G replaced by A.
Protein change: p.Gly3762Asp; replaces glycine 3762 with aspartic acid.
Molecular consequence: missense variant.
Genome position (GRCh38, 1-based): chr6:38,931,821, G>A. VCF-style: chr6-38931821-G-A. GRCh37 (hg19) VCF-style: chr6-38899597-G-A.
Other names: c.10634G>A, p.Gly3545Asp (NM_001371.4); c.11285G>A (NM_001206927.1); short protein forms G3545D, G3762D.
Identifiers: ClinVar variation 1047338 (VCV001047338.9), dbSNP rs369468382, ClinGen allele CA3791011.
Genomic context (GRCh38, chr6:38,931,821, plus strand): 5'-CTTTCCCTGCCCTTTAAGCTGTTTTTAATTTTATATGTGAATTTATGTAGGTGAAAGTCG[G>A]TGATAAGGAATGTGATATCATGGATACATTTAAACTTTACATTACTACGAAGTTACCAAA-3'
Protein context (NP_001193856.1, residues 3752-3772): KSGTTFKVKV[Gly3762Asp]DKECDIMDTF

ClinVar aggregate classification (germline): Uncertain significance. Review status: criteria provided, multiple submitters, no conflicts (2 of 4 stars). 2 submissions from 2 submitters: Uncertain significance (2). Last evaluated 2026-01-20.

Conditions:
Primary ciliary dyskinesia. Also called: Ciliary dyskinesia. Identifiers: Orphanet 244, MedGen C0008780, MONDO:0016575, HP:0012265.

Allele frequency attached by ClinVar (database versions not stated): TOPMed 0.00002; gnomAD 0.00003 and 0.00005; ESP Exome Variant Server 0.00008; gnomAD exomes 0.00011 and 0.00012; ExAC 0.00013.
gnomAD v4.1: 176 of 1,565,902 alleles (0.011%); highest among the groups gnomAD compares: East Asian, 0.4%; no homozygotes.

Submissions (2):

Labcorp Genetics (formerly Invitae), Labcorp
Classification: Uncertain significance for Primary ciliary dyskinesia. Last evaluated: 2026-01-20. Review status: criteria provided, single submitter. Criteria: Invitae Variant Classification Sherloc (09022015). Collection method: clinical testing. Allele origin: germline.
Comment: This sequence change replaces glycine, which is neutral and non-polar, with aspartic acid, which is acidic and polar, at codon 3762 of the DNAH8 protein (p.Gly3762Asp). The frequency data for this variant in the population databases is considered unreliable, as metrics indicate poor data quality at this position in the gnomAD database. This variant has not been reported in the literature in individuals affected with DNAH8-related conditions. ClinVar contains an entry for this variant (Variation ID: 1047338). Invitae Evidence Modeling of protein sequence and biophysical properties (such as structural, functional, and spatial information, amino acid conservation, physicochemical variation, residue mobility, and thermodynamic stability) indicates that this missense variant is expected to disrupt DNAH8 protein function with a positive predictive value of 80%. In summary, the available evidence is currently insufficient to determine the role of this variant in disease. Therefore, it has been classified as a Variant of Uncertain Significance.

Ambry Genetics
Classification: Uncertain significance. Last evaluated: 2024-04-20. Review status: criteria provided, single submitter. Criteria: Ambry Variant Classification Scheme 2023. Collection method: clinical testing. Allele origin: germline.